The following is an entry in ClinVar:

NM_032638.5(GATA2):c.1295C>T (p.Ala432Val)

Gene: GATA2 (GATA binding protein 2; minus strand). Cytogenetic location: 3q21.3.
Variant type: single nucleotide variant.
Coding change: c.1295C>T on transcript NM_032638.5 (MANE Select); coding-DNA position 1295, C replaced by T.
Protein change: p.Ala432Val; replaces alanine 432 with valine.
Molecular consequence: missense variant.
Genome position (GRCh38, 1-based): chr3:128,481,167, G>A on the plus strand (C>T on the coding strand, the complement: GATA2 is on the minus strand). VCF-style: chr3-128481167-G-A. GRCh37 (hg19) VCF-style: chr3-128200010-G-A.
Other names: c.1295C>T, p.Ala432Val (NM_001145661.2); c.1253C>T, p.Ala418Val (NM_001145662.1); short protein forms A418V, A432V.
Identifiers: ClinVar variation 4028495 (VCV004028495.1).

ClinVar aggregate classification (germline): Uncertain significance (1 of 4 stars; one submission).

Conditions:
Inborn genetic diseases. Identifiers: MedGen C0950123, MeSH D030342.

gnomAD v4.1: 1 of 1,614,254 alleles (0.000062%); no homozygotes.

Submission:

Ambry Genetics
Classification: Uncertain significance for Inborn genetic diseases. Last evaluated: 2025-04-20. Review status: criteria provided, single submitter. Criteria: Ambry Variant Classification Scheme 2023. Collection method: clinical testing. Allele origin: germline.
Comment: The p.A432V variant (also known as c.1295C>T), located in coding exon 5 of the GATA2 gene, results from a C to T substitution at nucleotide position 1295. The alanine at codon 432 is replaced by valine, an amino acid with similar properties. This amino acid position is conserved. In addition, the in silico prediction for this alteration is inconclusive. Based on the available evidence, the clinical significance of this variant remains unclear.